The following is an entry in ClinVar:

NM_024301.5(FKRP):c.940A>G (p.Thr314Ala)

Gene: FKRP (fukutin related protein; plus strand). Cytogenetic location: 19q13.32.
Variant type: single nucleotide variant.
Coding change: c.940A>G on transcript NM_024301.5 (MANE Select); coding-DNA position 940, A replaced by G.
Protein change: p.Thr314Ala; replaces threonine 314 with alanine.
Molecular consequence: missense variant.
Genome position (GRCh38, 1-based): chr19:46,756,390, A>G. VCF-style: chr19-46756390-A-G. GRCh37 (hg19) VCF-style: chr19-47259647-A-G.
Other names: c.940A>G, p.Thr314Ala (NM_001039885.3); short protein forms T314A.
Identifiers: ClinVar variation 2878639 (VCV002878639.3), dbSNP rs2513994340, ClinGen allele CA406496327.

ClinVar aggregate classification (germline): Likely pathogenic (1 of 4 stars; one submission).

Conditions:
Walker-Warburg congenital muscular dystrophy. Also called: Muscular dystrophy-dystroglycanopathy, type A; Walker-Warburg syndrome. Identifiers: Orphanet 899, MedGen C0265221, MONDO:0000171.

Submission:

Labcorp Genetics (formerly Invitae), Labcorp
Classification: Likely pathogenic for Walker-Warburg congenital muscular dystrophy. Last evaluated: 2022-11-29. Review status: criteria provided, single submitter. Criteria: Invitae Variant Classification Sherloc (09022015). Collection method: clinical testing. Allele origin: germline.
Comment: This variant is not present in population databases (gnomAD no frequency). This sequence change replaces threonine, which is neutral and polar, with alanine, which is neutral and non-polar, at codon 314 of the FKRP protein (p.Thr314Ala). This variant has not been reported in the literature in individuals affected with FKRP-related conditions. Advanced modeling of protein sequence and biophysical properties (such as structural, functional, and spatial information, amino acid conservation, physicochemical variation, residue mobility, and thermodynamic stability) performed at Invitae indicates that this missense variant is expected to disrupt FKRP protein function. This variant disrupts the p.Thr314 amino acid residue in FKRP. Other variant(s) that disrupt this residue have been determined to be pathogenic (PMID: 20623375, 27439679, 27671536, 28454995). This suggests that this residue is clinically significant, and that variants that disrupt this residue are likely to be disease-causing. In summary, the currently available evidence indicates that the variant is pathogenic, but additional data are needed to prove that conclusively. Therefore, this variant has been classified as Likely Pathogenic.

Literature cited by the submitters: PubMed 20623375; PubMed 27439679; PubMed 27671536; PubMed 28454995.